The following is an entry in ClinVar:

NM_020166.5(MCCC1):c.245C>G (p.Ala82Gly)

Gene: MCCC1 (methylcrotonyl-CoA carboxylase subunit 1; minus strand). Cytogenetic location: 3q27.1.
Variant type: single nucleotide variant.
Coding change: c.245C>G on transcript NM_020166.5 (MANE Select); coding-DNA position 245, C replaced by G.
Protein change: p.Ala82Gly; replaces alanine 82 with glycine.
Molecular consequence: missense variant. On other transcripts: non-coding transcript variant (1), intron variant (2).
Genome position (GRCh38, 1-based): chr3:183,092,437, G>C on the plus strand (C>G on the coding strand, the complement: MCCC1 is on the minus strand). VCF-style: chr3-183092437-G-C. GRCh37 (hg19) VCF-style: chr3-182810225-G-C.
Other names: c.-55+2122C>G (NM_001363880.1); c.44+2122C>G (NM_001293273.2); short protein forms A82G.
Identifiers: ClinVar variation 643839 (VCV000643839.14), dbSNP rs1577363370, ClinGen allele CA355321613.

ClinVar aggregate classification (germline): Uncertain significance. Review status: criteria provided, single submitter (1 of 4 stars). 2 submissions from 2 submitters: Uncertain significance (1). 1 of the submissions does not count toward it. Last evaluated 2025-10-01.

Conditions:
3-methylcrotonyl-CoA carboxylase 1 deficiency (MCC1D). Also called: MCCD TYPE 1; METHYLCROTONYLGLYCINURIA TYPE I; MCC 1 deficiency; 3 Alpha methylcrotonylglycinuria 1. Identifiers: Orphanet 6, MedGen CN028786, MONDO:0008861, OMIM 210200.

Submissions (2):

Labcorp Genetics (formerly Invitae), Labcorp
Classification: Uncertain significance for 3-methylcrotonyl-CoA carboxylase 1 deficiency. Last evaluated: 2025-10-01. Review status: criteria provided, single submitter. Criteria: Invitae Variant Classification Sherloc (09022015). Collection method: clinical testing. Allele origin: germline.
Comment: This sequence change replaces alanine, which is neutral and non-polar, with glycine, which is neutral and non-polar, at codon 82 of the MCCC1 protein (p.Ala82Gly). This variant is not present in population databases (gnomAD no frequency). This variant has not been reported in the literature in individuals affected with MCCC1-related conditions. ClinVar contains an entry for this variant (Variation ID: 643839). Invitae Evidence Modeling of protein sequence and biophysical properties (such as structural, functional, and spatial information, amino acid conservation, physicochemical variation, residue mobility, and thermodynamic stability) has been performed for this missense variant. However, the output from this modeling did not meet the statistical confidence thresholds required to predict the impact of this variant on MCCC1 protein function. Algorithms developed to predict the effect of sequence changes on RNA splicing suggest that this variant may disrupt the consensus splice site. In summary, the available evidence is currently insufficient to determine the role of this variant in disease. Therefore, it has been classified as a Variant of Uncertain Significance.

Natera, Inc.
Classification: Uncertain significance for 3-methylcrotonyl-CoA carboxylase 1 deficiency. Last evaluated: 2021-07-29. Review status: no assertion criteria provided. Collection method: clinical testing. Allele origin: germline. Not counted in ClinVar's aggregate classification.